The following is an entry in ClinVar:

ClinVar aggregate classification (germline): Uncertain significance. Review status: criteria provided, multiple submitters, no conflicts (2 of 4 stars). 2 submissions from 2 submitters: Uncertain significance (2). Last evaluated 2021-12-13.

Conditions:
Inborn genetic diseases. Identifiers: MedGen C0950123, MeSH D030342.
Hereditary sensory and autonomic neuropathy type 6. Also called: Neuropathy, hereditary sensory and autonomic, type VI; HSAN VI. Identifiers: Orphanet 314381, MedGen C3539003, MONDO:0013839, OMIM 614653.
Epidermolysis bullosa simplex 3, localized or generalized intermediate, with BP230 deficiency (EBS3). Also called: Epidermolysis bullosa simplex due to BP230 deficiency; Epidermolysis bullosa simplex, autosomal recessive 2. Identifiers: Orphanet 412181, MedGen C3809470, MONDO:0014180, OMIM 615425.

Allele frequency attached by ClinVar (database versions not stated): gnomAD 0.00001; gnomAD exomes 0.00001; TOPMed 0.00001.
gnomAD v4.1: 10 of 1,613,612 alleles (0.00062%); highest among the groups gnomAD compares: Non-Finnish European, 0.00085%; no homozygotes.

Submissions (2):

Labcorp Genetics (formerly Invitae), Labcorp
Classification: Uncertain significance for Epidermolysis bullosa simplex 3, localized or generalized intermediate, with BP230 deficiency; Hereditary sensory and autonomic neuropathy type 6. Last evaluated: 2021-12-13. Review status: criteria provided, single submitter. Criteria: Invitae Variant Classification Sherloc (09022015). Collection method: clinical testing. Allele origin: germline.
Comment: This variant is not present in population databases (gnomAD no frequency). This sequence change replaces valine, which is neutral and non-polar, with isoleucine, which is neutral and non-polar, at codon 2221 of the DST protein (p.Val2221Ile). The DST gene has multiple clinically relevant transcripts. This variant occurs in alternate transcript NM_015548.4, and corresponds to NM_001723.5:c.*58088G>A in the primary transcript. In summary, the available evidence is currently insufficient to determine the role of this variant in disease. Therefore, it has been classified as a Variant of Uncertain Significance. Experimental studies and prediction algorithms are not available or were not evaluated, and the functional significance of this variant is currently unknown. This variant has not been reported in the literature in individuals affected with DST-related conditions.

Ambry Genetics
Classification: Uncertain significance for Inborn genetic diseases. Last evaluated: 2020-03-19. Review status: criteria provided, single submitter. Criteria: Ambry Variant Classification Scheme 2023. Collection method: clinical testing. Allele origin: germline.
Comment: The p.V2725I variant (also known as c.8173G>A), located in coding exon 53 of the DST gene, results from a G to A substitution at nucleotide position 8173. The valine at codon 2725 is replaced by isoleucine, an amino acid with highly similar properties. This amino acid position is not well conserved in available vertebrate species. In addition, this alteration is predicted to be tolerated by in silico analysis. Since supporting evidence is limited at this time, the clinical significance of this alteration remains unclear.

NM_001374736.1(DST):c.14530G>A (p.Val4844Ile)

Gene: DST (dystonin; minus strand). Cytogenetic location: 6p12.1.
Variant type: single nucleotide variant.
Coding change: c.14530G>A on transcript NM_001374736.1 (MANE Select); coding-DNA position 14530, G replaced by A.
Protein change: p.Val4844Ile; replaces valine 4844 with isoleucine.
Molecular consequence: missense variant.
Genome position (GRCh38, 1-based): chr6:56,557,429, C>T on the plus strand (G>A on the coding strand, the complement: DST is on the minus strand). VCF-style: chr6-56557429-C-T. GRCh37 (hg19) VCF-style: chr6-56422227-C-T.
Other names: c.8173G>A, p.Val2725Ile (NM_001144769.5); c.7759G>A, p.Val2587Ile (NM_001144770.2); c.14530G>A, p.Val4844Ile (NM_001374722.1); c.13897G>A, p.Val4633Ile (NM_001374729.1); c.7639G>A, p.Val2547Ile (NM_001374730.1, NM_001386100.1, NM_183380.4); c.14557G>A, p.Val4853Ile (NM_001374734.1); c.6661G>A, p.Val2221Ile (NM_015548.5); short protein forms V4633I, V2547I, V2725I, V4853I, V2221I, V2587I, V4844I.
Identifiers: ClinVar variation 1401984 (VCV001401984.8), dbSNP rs1443283116, ClinGen allele CA364521224.
Genomic context (GRCh38, chr6:56,557,429, plus strand): 5'-GCCCAAGAACACTGACCATAAGTTCTTTTTCCACAAGCCACTGTTTCAATTGGGCCTCTA[C>T]AGTCTGGAACTGGGTTAGATTATTGGAGGATTCTTCCAGTTTTTGTTGTCTATCAATTGT-3'
Protein context (NP_001361665.1, residues 4834-4854): SSNNLTQFQT[Val4844Ile]EAQLKQWLVE